The following is an entry in ClinVar:

ClinVar aggregate classification (germline): Likely pathogenic (1 of 4 stars; one submission).

Conditions:
Amyotrophic lateral sclerosis type 11 (ALS11). Identifiers: Orphanet 803, MedGen C2675491, MONDO:0012945, OMIM 612577.

Submission:

MGZ Medical Genetics Center
Classification: Likely pathogenic for Amyotrophic lateral sclerosis type 11. Last evaluated: 2021-10-05. Review status: criteria provided, single submitter. Criteria: ACMG Guidelines, 2015. Collection method: clinical testing. Allele origin: germline. Affected: yes. Observed: 1 variant allele.
Comment: ACMG criteria applied: PVS1, PM2_SUP

NM_014845.6(FIG4):c.647-2_647-1insG

Gene: FIG4 (FIG4 phosphoinositide 5-phosphatase; plus strand). Cytogenetic location: 6q21.
Variant type: Duplication.
Coding change: c.647-2_647-1insG on transcript NM_014845.6 (MANE Select); the canonical splice acceptor site of the intron before coding-DNA position 647, G inserted.
Molecular consequence: splice acceptor variant.
Genome position: GRCh38 VCF-style: chr6-109738323-A-AG. GRCh37 (hg19) VCF-style: chr6-110059526-A-AG.
Identifiers: ClinVar variation 1709974 (VCV001709974.2), dbSNP rs2486126464, ClinGen allele CA2580074739.